The following is an entry in ClinVar:

NM_000268.4(NF2):c.596C>A (p.Ala199Asp)

Gene: NF2 (NF2, moesin-ezrin-radixin like (MERLIN) tumor suppressor; plus strand). Cytogenetic location: 22q12.2.
Variant type: single nucleotide variant.
Coding change: c.596C>A on transcript NM_000268.4 (MANE Select); coding-DNA position 596, C replaced by A.
Protein change: p.Ala199Asp; replaces alanine 199 with aspartic acid.
Molecular consequence: missense variant. On other transcripts: intron variant (1).
Genome position (GRCh38, 1-based): chr22:29,655,673, C>A. VCF-style: chr22-29655673-C-A. GRCh37 (hg19) VCF-style: chr22-30051662-C-A.
Other names: c.482C>A, p.Ala161Asp (NM_001407053.1, NM_001407056.1); c.473C>A, p.Ala158Asp (NM_001407054.1, NM_001407058.1, NM_001407062.1 and 1 more transcripts); c.470C>A, p.Ala157Asp (NM_001407055.1, NM_181828.3); c.596C>A, p.Ala199Asp (NM_001407057.1, NM_001407059.1, NM_001407060.1 and 4 more transcripts); c.347C>A, p.Ala116Asp (NM_001407063.1, NM_001407064.1, NM_181830.3 and 1 more transcripts); c.62C>A, p.Ala21Asp (NM_001407065.1); c.365C>A, p.Ala122Asp (NM_001407067.1); c.447+13388C>A (NM_181833.3); short protein forms A116D, A122D, A157D, A158D, A161D, A199D, A21D.
Identifiers: ClinVar variation 3073270 (VCV003073270.2), dbSNP rs2146973971, ClinGen allele CA411142716.
Genomic context (GRCh38, chr22:29,655,673, plus strand): 5'-TGACTCCGGAAATGTGGGAGGAGAGAATTACTGCTTGGTACGCAGAGCACCGAGGCCGAG[C>A]CAGGTGAGGCCCATTCATTGTTGGTTTACATTCCTTTATGGGCTTTTTTTTTTTTTTTTG-3'
Protein context (NP_000259.1, residues 189-209): TAWYAEHRGR[Ala199Asp]RDEAEMEYLK

ClinVar aggregate classification (germline): Uncertain significance. Review status: criteria provided, multiple submitters, no conflicts (2 of 4 stars). 2 submissions from 2 submitters: Uncertain significance (2). Last evaluated 2025-06-23.

Conditions:
Hereditary cancer-predisposing syndrome. Also called: Tumor predisposition; Hereditary Cancer Syndrome; Hereditary neoplastic syndrome; Neoplastic Syndromes, Hereditary. Identifiers: Orphanet 140162, MedGen C0027672, MeSH D009386, MONDO:0015356.
Neurofibromatosis, type 2 (SWNV). Also called: BILATERAL ACOUSTIC NEUROFIBROMATOSIS; NF2-Related Schwannomatosis; SCHWANNOMATOSIS, VESTIBULAR. Identifiers: Orphanet 637, MedGen C0027832, MONDO:0007039, OMIM 101000. Disease mechanism: loss of function.

Submissions (2):

Ambry Genetics
Classification: Uncertain significance for Hereditary cancer-predisposing syndrome. Last evaluated: 2025-06-23. Review status: criteria provided, single submitter. Criteria: Ambry Variant Classification Scheme 2023. Collection method: clinical testing. Allele origin: germline.
Comment: The p.A199D variant (also known as c.596C>A), located in coding exon 6 of the NF2 gene, results from a C to A substitution at nucleotide position 596. The alanine at codon 199 is replaced by aspartic acid, an amino acid with dissimilar properties. This amino acid position is conserved. In addition, the in silico prediction for this alteration is inconclusive. Based on the available evidence, the clinical significance of this variant remains unclear.

All of Us Research Program, National Institutes of Health
Classification: Uncertain significance for Neurofibromatosis, type 2. Last evaluated: 2023-08-28. Review status: criteria provided, single submitter. Criteria: ACMG Guidelines, 2015. Collection method: clinical testing. Allele origin: germline. Inheritance: Autosomal dominant inheritance. Observed: 1 variant allele, 1 heterozygote.
Comment: This missense variant replaces alanine with aspartic acid at codon 199 of the NF2 protein. Computational prediction suggests that this variant may not impact protein structure and function (internally defined REVEL score threshold <= 0.5, PMID: 27666373). To our knowledge, functional studies have not been reported for this variant. This variant has not been reported in individuals affected with NF2-related disorders in the literature. This variant has not been identified in the general population by the Genome Aggregation Database (gnomAD). The available evidence is insufficient to determine the role of this variant in disease conclusively. Therefore, this variant is classified as a Variant of Uncertain Significance.

This study involves interpretation of variants in research participants for the purpose of population health screening. Participant phenotype was not available at the time of variant classification. Additional details can be found in publication PMID: 35346344, PMCID: PMC8962531